The following is an entry in ClinVar:

ClinVar aggregate classification (germline): Conflicting classifications of pathogenicity. Review status: criteria provided, conflicting classifications (1 of 4 stars). 3 submissions from 3 submitters: Uncertain significance (2); Likely benign (1). Last evaluated 2026-01-11.

Conditions:
Inborn genetic diseases. Identifiers: MedGen C0950123, MeSH D030342.

Allele frequency attached by ClinVar (database versions not stated): gnomAD exomes below 0.00001.
gnomAD v4.1: 9 of 1,613,872 alleles (0.00056%); highest among the groups gnomAD compares: South Asian, 0.0022%; no homozygotes.

Submissions (3):

Labcorp Genetics (formerly Invitae), Labcorp
Classification: Uncertain significance. Last evaluated: 2026-01-11. Review status: criteria provided, single submitter. Criteria: Invitae Variant Classification Sherloc (09022015). Collection method: clinical testing. Allele origin: germline.
Comment: This sequence change replaces arginine, which is basic and polar, with glutamine, which is neutral and polar, at codon 604 of the MECOM protein (p.Arg604Gln). This variant is present in population databases (rs753395114, gnomAD 0.01%). This variant has not been reported in the literature in individuals affected with MECOM-related conditions. ClinVar contains an entry for this variant (Variation ID: 2191680). An algorithm developed to predict the effect of missense changes on protein structure and function (PolyPhen-2) suggests that this variant is likely to be disruptive. In summary, the available evidence is currently insufficient to determine the role of this variant in disease. Therefore, it has been classified as a Variant of Uncertain Significance.

Ambry Genetics
Classification: Uncertain significance for Inborn genetic diseases. Last evaluated: 2024-11-25. Review status: criteria provided, single submitter. Criteria: Ambry Variant Classification Scheme 2023. Collection method: clinical testing. Allele origin: germline.
Comment: The p.R792Q variant (also known as c.2375G>A), located in coding exon 8 of the MECOM gene, results from a G to A substitution at nucleotide position 2375. The arginine at codon 792 is replaced by glutamine, an amino acid with highly similar properties. This amino acid position is conserved. In addition, this alteration is predicted to be tolerated by in silico analysis. Based on the available evidence, the clinical significance of this variant remains unclear.

CeGaT Center for Human Genetics Tuebingen
Classification: Likely benign. Last evaluated: 2024-08-01. Review status: criteria provided, single submitter. Criteria: CeGaT Center For Human Genetics Tuebingen Variant Classification Criteria Version 2. Collection method: clinical testing. Allele origin: germline. Affected: yes. Observed: 1 variant allele.
Comment: MECOM: BP4, BS2

NM_004991.4(MECOM):c.2375G>A (p.Arg792Gln)

Gene: MECOM (MDS1 and EVI1 complex locus; minus strand). Cytogenetic location: 3q26.2.
Variant type: single nucleotide variant.
Coding change: c.2375G>A on transcript NM_004991.4 (MANE Select); coding-DNA position 2375, G replaced by A.
Protein change: p.Arg792Gln; replaces arginine 792 with glutamine.
Molecular consequence: missense variant.
Genome position (GRCh38, 1-based): chr3:169,115,497, C>T on the plus strand (G>A on the coding strand, the complement: MECOM is on the minus strand). VCF-style: chr3-169115497-C-T. GRCh37 (hg19) VCF-style: chr3-168833285-C-T.
Other names: c.2375G>A (NM_004991.3); c.2006G>A, p.Arg669Gln (NM_001105077.4); c.1811G>A, p.Arg604Gln (NM_001105078.4, NM_001164000.2, NM_001205194.2 and 4 more transcripts); c.1814G>A, p.Arg605Gln (NM_001163999.2, NM_001366467.2, NM_001366468.2 and 1 more transcripts); c.2375G>A, p.Arg792Gln (NM_001366466.2); c.1403G>A, p.Arg468Gln (NM_001366473.2); c.839G>A, p.Arg280Gln (NM_001366474.2); short protein forms R468Q, R605Q, R792Q, R280Q, R604Q, R669Q.
Identifiers: ClinVar variation 2191680 (VCV002191680.22), dbSNP rs753395114, ClinGen allele CA2696191.